The following is an entry in ClinVar:

ClinVar aggregate classification (germline): Uncertain significance. Review status: criteria provided, multiple submitters, no conflicts (2 of 4 stars). 2 submissions from 2 submitters: Uncertain significance (2). Last evaluated 2026-02-16.

Conditions:
Ehlers-Danlos syndrome, musculocontractural type 2 (EDSMC2). Identifiers: Orphanet 2953, MedGen C3809845, MONDO:0014236, OMIM 615539.

Allele frequency attached by ClinVar (database versions not stated): ExAC 0.00001; gnomAD 0.00001; gnomAD exomes 0.00001; TOPMed 0.00002.
gnomAD v4.1: 12 of 1,614,052 alleles (0.00074%); highest among the groups gnomAD compares: Non-Finnish European, 0.001%; no homozygotes.

Submissions (2):

Women's Health and Genetics/Laboratory Corporation of America, LabCorp
Classification: Uncertain significance. Last evaluated: 2026-02-16. Review status: criteria provided, single submitter. Criteria: LabCorp Variant Classification Summary - May 2015. Collection method: clinical testing. Allele origin: germline.
Comment: Variant summary: DSE c.2221A>G (p.Ile741Val) results in a conservative amino acid change in the encoded protein sequence. Algorithms developed to predict the effect of missense changes on protein structure and function all suggest that this variant is likely to be tolerated. The variant allele was found at a frequency of 8e-06 in 250724 control chromosomes. The available data on variant occurrences in the general population are insufficient to allow any conclusion about variant significance. To our knowledge, no occurrence of c.2221A>G in individuals affected with DSE-related conditions and no experimental evidence demonstrating its impact on protein function have been reported. ClinVar contains an entry for this variant (Variation ID: 1435841). Based on the evidence outlined above, the variant was classified as uncertain significance.

Labcorp Genetics (formerly Invitae), Labcorp
Classification: Uncertain significance for Ehlers-Danlos syndrome, musculocontractural type 2. Last evaluated: 2021-10-09. Review status: criteria provided, single submitter. Criteria: Invitae Variant Classification Sherloc (09022015). Collection method: clinical testing. Allele origin: germline.
Comment: This sequence change replaces isoleucine with valine at codon 741 of the DSE protein (p.Ile741Val). The isoleucine residue is moderately conserved and there is a small physicochemical difference between isoleucine and valine. This variant is present in population databases (rs780336360, ExAC 0.002%). This variant has not been reported in the literature in individuals affected with DSE-related conditions. Algorithms developed to predict the effect of missense changes on protein structure and function output the following: SIFT: "Not Available"; PolyPhen-2: "Benign"; Align-GVGD: "Not Available". The valine amino acid residue is found in multiple mammalian species, which suggests that this missense change does not adversely affect protein function. In summary, the available evidence is currently insufficient to determine the role of this variant in disease. Therefore, it has been classified as a Variant of Uncertain Significance.

NM_013352.4(DSE):c.2221A>G (p.Ile741Val)

Gene: DSE (dermatan sulfate epimerase; plus strand). Cytogenetic location: 6q22.1.
Variant type: single nucleotide variant.
Coding change: c.2221A>G on transcript NM_013352.4 (MANE Select); coding-DNA position 2221, A replaced by G.
Protein change: p.Ile741Val; replaces isoleucine 741 with valine.
Molecular consequence: missense variant. On other transcripts: 3 prime UTR variant (2), non-coding transcript variant (1).
Genome position (GRCh38, 1-based): chr6:116,436,689, A>G. VCF-style: chr6-116436689-A-G. GRCh37 (hg19) VCF-style: chr6-116757852-A-G.
Other names: c.2221A>G, p.Ile741Val (NM_001080976.3, NM_001322937.2, NM_001322938.2); c.2278A>G, p.Ile760Val (NM_001322939.2); c.1660A>G, p.Ile554Val (NM_001322940.2, NM_001322941.2); c.*1086A>G (NM_001322943.2, NM_001322944.2); c.1222A>G, p.Ile408Val (NM_001374520.1); c.1186A>G, p.Ile396Val (NM_001374521.1); short protein forms I760V, I554V, I396V, I741V, I408V.
Identifiers: ClinVar variation 1435841 (VCV001435841.4), dbSNP rs780336360, ClinGen allele CA3969780.
Genomic context (GRCh38, chr6:116,436,689, plus strand): 5'-TTTGACCGGAATTCAGCCATCAAGAGCAGCATTGTCCCTGAGGTGAAGGACTATGCTGCT[A>G]TTGTGGAACAGAACTTGCAGCATTTTAAACCAGTGTTTCAGCTGCTGGAGAAGCAGATAC-3'
Protein context (NP_037484.1, residues 731-751): IVPEVKDYAA[Ile741Val]VEQNLQHFKP